The following is an entry in ClinVar:

NM_005076.5(CNTN2):c.658G>A (p.Val220Ile)

Gene: CNTN2 (contactin 2; plus strand). Cytogenetic location: 1q32.1.
Variant type: single nucleotide variant.
Coding change: c.658G>A on transcript NM_005076.5 (MANE Select); coding-DNA position 658, G replaced by A.
Protein change: p.Val220Ile; replaces valine 220 with isoleucine.
Molecular consequence: missense variant. On other transcripts: non-coding transcript variant (1).
Genome position (GRCh38, 1-based): chr1:205,059,254, G>A. VCF-style: chr1-205059254-G-A. GRCh37 (hg19) VCF-style: chr1-205028382-G-A.
Other names: c.658G>A, p.Val220Ile (NM_001346083.2); c.658G>A (NM_005076.3); short protein forms V220I.
Identifiers: ClinVar variation 1450490 (VCV001450490.7), dbSNP rs758068126, ClinGen allele CA1351100.
Genomic context (GRCh38, chr1:205,059,254, plus strand): 5'-TCAGACCTGGGCAACTACTCCTGTTTGGCCACCAGCCACATGGACTTCTCCACCAAGAGC[G>A]TCTTCAGCAAGTTTGCTCAGCTCAACCTGGCTGCTGAAGGTCAGGCTTGGCCAGGCGTGG-3'
Protein context (NP_005067.1, residues 210-230): TSHMDFSTKS[Val220Ile]FSKFAQLNLA

ClinVar aggregate classification (germline): Uncertain significance. Review status: criteria provided, multiple submitters, no conflicts (2 of 4 stars). 2 submissions from 2 submitters: Uncertain significance (2). Last evaluated 2025-08-02.

Conditions:
Epilepsy, familial adult myoclonic, 5 (EPEO5). Also called: CORTICAL MYOCLONIC TREMOR WITH EPILEPSY, FAMILIAL, 5. Identifiers: Orphanet 86814, MedGen C3809374, MONDO:0014167, OMIM 615400.

Allele frequency attached by ClinVar (database versions not stated): gnomAD exomes 0.00001; ExAC 0.00002; TOPMed 0.00002.
gnomAD v4.1: 24 of 1,614,026 alleles (0.0015%); highest among the groups gnomAD compares: East Asian, 0.0067%; no homozygotes.

Submissions (2):

Ambry Genetics
Classification: Uncertain significance. Last evaluated: 2025-08-02. Review status: criteria provided, single submitter. Criteria: Ambry Variant Classification Scheme 2023. Collection method: clinical testing. Allele origin: germline.

Labcorp Genetics (formerly Invitae), Labcorp
Classification: Uncertain significance for Epilepsy, familial adult myoclonic, 5. Last evaluated: 2021-06-05. Review status: criteria provided, single submitter. Criteria: Invitae Variant Classification Sherloc (09022015). Collection method: clinical testing. Allele origin: germline.
Comment: This sequence change replaces valine with isoleucine at codon 220 of the CNTN2 protein (p.Val220Ile). The valine residue is highly conserved and there is a small physicochemical difference between valine and isoleucine. In summary, the available evidence is currently insufficient to determine the role of this variant in disease. Therefore, it has been classified as a Variant of Uncertain Significance. Advanced modeling of protein sequence and biophysical properties (such as structural, functional, and spatial information, amino acid conservation, physicochemical variation, residue mobility, and thermodynamic stability) performed at Invitae indicates that this missense variant is not expected to disrupt CNTN2 protein function. This variant has not been reported in the literature in individuals with CNTN2-related conditions. This variant is present in population databases (rs758068126, ExAC 0.006%).